The following is an entry in ClinVar:

NM_001372.4(DNAH9):c.7926G>A (p.Ala2642=)

Gene: DNAH9 (dynein axonemal heavy chain 9; plus strand). Cytogenetic location: 17p12.
Variant type: single nucleotide variant.
Coding change: c.7926G>A on transcript NM_001372.4 (MANE Select); coding-DNA position 7926, G replaced by A.
Protein change: p.Ala2642=; no amino-acid change (alanine 2642 retained).
Molecular consequence: synonymous variant.
Genome position (GRCh38, 1-based): chr17:11,784,404, G>A. VCF-style: chr17-11784404-G-A. GRCh37 (hg19) VCF-style: chr17-11687721-G-A.
Other names: p.Ala2642=.
Identifiers: ClinVar variation 1236504 (VCV001236504.16), dbSNP rs16945337, ClinGen allele CA8396776.

ClinVar aggregate classification (germline): Benign/Likely benign. Review status: criteria provided, multiple submitters, no conflicts (2 of 4 stars). 6 submissions from 6 submitters: Benign (4); Likely benign (1). 1 of the submissions does not count toward it. Last evaluated 2026-02-02.

Conditions:
DNAH9-related disorder. Also called: DNAH9-related condition.

Allele frequency attached by ClinVar (database versions not stated): gnomAD exomes 0.02688 and 0.03366; ExAC 0.03580; TOPMed 0.03950; gnomAD 0.04249 and 0.04280; ESP Exome Variant Server 0.04252; 1000 Genomes Project 30x 0.04606; 1000 Genomes Project 0.04772.
gnomAD v4.1: 45,912 of 1,614,058 alleles (2.8%); highest among the groups gnomAD compares: African/African-American, 8.3%; 1,054 homozygotes.

Submissions (6):

Labcorp Genetics (formerly Invitae), Labcorp
Classification: Benign. Last evaluated: 2026-02-02. Review status: criteria provided, single submitter. Criteria: Invitae Variant Classification Sherloc (09022015). Collection method: clinical testing. Allele origin: germline.

Blueprint Genetics
Classification: Likely benign. Last evaluated: 2024-11-27. Review status: criteria provided, single submitter. Criteria: ACMG Guidelines, 2015. Collection method: clinical testing. Allele origin: germline.

Mayo Clinic Laboratories, Mayo Clinic
Classification: Benign. Last evaluated: 2023-06-26. Review status: criteria provided, single submitter. Criteria: ACMG Guidelines, 2015. Collection method: clinical testing. Allele origin: germline. Observed: 19 variant alleles.

GeneDx
Classification: Benign. Last evaluated: 2021-05-04. Review status: criteria provided, single submitter. Criteria: GeneDx Variant Classification Process June 2021. Collection method: clinical testing. Allele origin: germline. Affected: yes.

Breakthrough Genomics
Classification: Benign. Review status: criteria provided, single submitter. Criteria: ACMG Guidelines, 2015. Collection method: not provided. Allele origin: germline. Inheritance: Autosomal recessive inheritance. Affected: yes.

PreventionGenetics, part of Exact Sciences
Classification: Benign for DNAH9-related condition. Last evaluated: 2019-09-27. Review status: no assertion criteria provided. Collection method: clinical testing. Allele origin: germline. Not counted in ClinVar's aggregate classification.
Comment: This variant is classified as benign based on ACMG/AMP sequence variant interpretation guidelines (Richards et al. 2015 PMID: 25741868, with internal and published modifications).